The following is an entry in ClinVar:

ClinVar aggregate classification (germline): Uncertain significance. Review status: criteria provided, multiple submitters, no conflicts (2 of 4 stars). 2 submissions from 2 submitters: Uncertain significance (2). Last evaluated 2024-09-13.

Conditions:
Landau-Kleffner syndrome (FESD). Also called: APHASIA, ACQUIRED, WITH EPILEPSY; EPILEPSY, FOCAL, WITH SPEECH DISORDER AND WITH OR WITHOUT MENTAL RETARDATION. Identifiers: Orphanet 1945, Orphanet 725, Orphanet 98818, MedGen C0282512, MONDO:0009509, OMIM 245570.

Allele frequency attached by ClinVar (database versions not stated): gnomAD exomes below 0.00001.
gnomAD v4.1: 2 of 1,614,116 alleles (0.00012%); highest among the groups gnomAD compares: Non-Finnish European, 0.00017%; no homozygotes.

Submissions (2):

GeneDx
Classification: Uncertain significance. Last evaluated: 2024-09-13. Review status: criteria provided, single submitter. Criteria: GeneDx Variant Classification Process June 2021. Collection method: clinical testing. Allele origin: germline. Affected: yes.
Comment: Not observed at significant frequency in large population cohorts (gnomAD); In silico analysis supports that this missense variant has a deleterious effect on protein structure/function; Has not been previously published as pathogenic or benign to our knowledge

Labcorp Genetics (formerly Invitae), Labcorp
Classification: Uncertain significance for Landau-Kleffner syndrome. Last evaluated: 2023-05-22. Review status: criteria provided, single submitter. Criteria: Invitae Variant Classification Sherloc (09022015). Collection method: clinical testing. Allele origin: germline.
Comment: In summary, the available evidence is currently insufficient to determine the role of this variant in disease. Therefore, it has been classified as a Variant of Uncertain Significance. Advanced modeling of protein sequence and biophysical properties (such as structural, functional, and spatial information, amino acid conservation, physicochemical variation, residue mobility, and thermodynamic stability) performed at Invitae indicates that this missense variant is expected to disrupt GRIN2A protein function. ClinVar contains an entry for this variant (Variation ID: 836765). This variant has not been reported in the literature in individuals affected with GRIN2A-related conditions. This variant is not present in population databases (gnomAD no frequency). This sequence change replaces glycine, which is neutral and non-polar, with glutamic acid, which is acidic and polar, at codon 275 of the GRIN2A protein (p.Gly275Glu).

NM_001134407.3(GRIN2A):c.824G>A (p.Gly275Glu)

Gene: GRIN2A (glutamate ionotropic receptor NMDA type subunit 2A; minus strand). Cytogenetic location: 16p13.2.
Variant type: single nucleotide variant.
Coding change: c.824G>A on transcript NM_001134407.3 (MANE Select); coding-DNA position 824, G replaced by A.
Protein change: p.Gly275Glu; replaces glycine 275 with glutamic acid.
Molecular consequence: missense variant.
Genome position (GRCh38, 1-based): chr16:9,938,142, C>T on the plus strand (G>A on the coding strand, the complement: GRIN2A is on the minus strand). VCF-style: chr16-9938142-C-T. GRCh37 (hg19) VCF-style: chr16-10031999-C-T.
Other names: c.824G>A (NM_000833.3); c.824G>A, p.Gly275Glu (NM_000833.5, NM_001134408.2); short protein forms G275E.
Identifiers: ClinVar variation 836765 (VCV000836765.11), dbSNP rs2044759670, ClinGen allele CA394798418.